The following is an entry in ClinVar:

ClinVar aggregate classification (germline): Uncertain significance (1 of 4 stars; one submission).

Conditions:
Short-rib thoracic dysplasia 10 with or without polydactyly (SRTD10). Identifiers: Orphanet 474, MedGen C3810175, MONDO:0014284, OMIM 615630.
Retinitis pigmentosa 71 (RP71). Identifiers: Orphanet 791, MedGen C4225342, MONDO:0014618, OMIM 616394.

gnomAD v4.1: 1 of 1,605,088 alleles (0.000062%); highest among the groups gnomAD compares: Non-Finnish European, 0.000085%; no homozygotes.

Submission:

Labcorp Genetics (formerly Invitae), Labcorp
Classification: Uncertain significance for Retinitis pigmentosa 71; Short-rib thoracic dysplasia 10 with or without polydactyly. Last evaluated: 2024-02-17. Review status: criteria provided, single submitter. Criteria: Invitae Variant Classification Sherloc (09022015). Collection method: clinical testing. Allele origin: germline.
Comment: This sequence change replaces histidine, which is basic and polar, with tyrosine, which is neutral and polar, at codon 510 of the IFT172 protein (p.His510Tyr). This variant is not present in population databases (gnomAD no frequency). This variant has not been reported in the literature in individuals affected with IFT172-related conditions. Advanced modeling of protein sequence and biophysical properties (such as structural, functional, and spatial information, amino acid conservation, physicochemical variation, residue mobility, and thermodynamic stability) performed at Invitae indicates that this missense variant is not expected to disrupt IFT172 protein function with a negative predictive value of 80%. Algorithms developed to predict the effect of sequence changes on RNA splicing suggest that this variant may disrupt the consensus splice site. In summary, the available evidence is currently insufficient to determine the role of this variant in disease. Therefore, it has been classified as a Variant of Uncertain Significance.

NM_015662.3(IFT172):c.1528C>T (p.His510Tyr)

Gene: IFT172 (intraflagellar transport 172; minus strand). Cytogenetic location: 2p23.3.
Variant type: single nucleotide variant.
Coding change: c.1528C>T on transcript NM_015662.3 (MANE Select); coding-DNA position 1528, C replaced by T.
Protein change: p.His510Tyr; replaces histidine 510 with tyrosine.
Molecular consequence: missense variant. On other transcripts: intron variant (1).
Genome position (GRCh38, 1-based): chr2:27,471,092, G>A on the plus strand (C>T on the coding strand, the complement: IFT172 is on the minus strand). VCF-style: chr2-27471092-G-A. GRCh37 (hg19) VCF-style: chr2-27693959-G-A.
Other names: c.1525-63C>T (NM_001410739.1); short protein forms H510Y.
Identifiers: ClinVar variation 3754734 (VCV003754734.2).
Genomic context (GRCh38, chr2:27,471,092, plus strand): 5'-GCATATAGGAGCAGAAGTTGAGGATCATTGTCTTAGAGCAGCTTTCAATATCATACAGAT[G>A]CAACTGAAGAAAGAAAAGGCAGGTAACACAATTACAAGGGGATGTGGGGTTGTCTCCTGC-3'
Protein context (NP_056477.1, residues 500-520): LLFRDRKLRL[His510Tyr]LYDIESCSKT